The following is an entry in ClinVar:

ClinVar aggregate classification (germline): Conflicting classifications of pathogenicity. Review status: criteria provided, conflicting classifications (1 of 4 stars). 8 submissions from 7 submitters: Uncertain significance (5); Benign (1); Likely benign (2). Last evaluated 2026-01-20.

Conditions:
Hereditary cancer-predisposing syndrome. Also called: Tumor predisposition; Neoplastic Syndromes, Hereditary; Hereditary Cancer Syndrome; Hereditary neoplastic syndrome. Identifiers: Orphanet 140162, MedGen C0027672, MeSH D009386, MONDO:0015356.
Cardiovascular phenotype. Identifiers: MedGen CN230736.
Neurofibromatosis, type 1 (NF1). Also called: Peripheral type neurofibromatosis; Neurofibromatosis, type I; NEUROFIBROMATOSIS, TYPE I, SOMATIC; VON RECKLINGHAUSEN DISEASE. Identifiers: Orphanet 636, MedGen C0027831, MONDO:0018975, OMIM 162200. Disease mechanism: loss of function.

Allele frequency attached by ClinVar (database versions not stated): gnomAD exomes 0.00001; ExAC 0.00002; TOPMed 0.00002; gnomAD 0.00003.
gnomAD v4.1: 21 of 1,613,534 alleles (0.0013%); highest among the groups gnomAD compares: African/African-American, 0.004%; no homozygotes.

Submissions (8):

Labcorp Genetics (formerly Invitae), Labcorp
Classification: Benign for Neurofibromatosis, type 1. Last evaluated: 2026-01-20. Review status: criteria provided, single submitter. Criteria: Invitae Variant Classification Sherloc (09022015). Collection method: clinical testing. Allele origin: germline.

Quest Diagnostics Nichols Institute San Juan Capistrano
Classification: Likely benign. Last evaluated: 2025-03-08. Review status: criteria provided, single submitter. Criteria: Quest Diagnostics criteria. Collection method: clinical testing. Allele origin: unknown.

Blueprint Genetics
Classification: Likely benign. Last evaluated: 2024-07-01. Review status: criteria provided, single submitter. Criteria: ACMG Guidelines, 2015. Collection method: clinical testing. Allele origin: germline.

CeGaT Center for Human Genetics Tuebingen
Classification: Uncertain significance. Last evaluated: 2023-04-01. Review status: criteria provided, single submitter. Criteria: CeGaT Center For Human Genetics Tuebingen Variant Classification Criteria Version 2. Collection method: clinical testing. Allele origin: germline. Affected: yes. Observed: 1 variant allele.
Comment: NF1: PP2

Institute for Biomarker Research, Medical Diagnostic Laboratories, L.L.C.
Classification: Uncertain significance for Hereditary cancer-predisposing syndrome. Last evaluated: 2022-10-18. Review status: criteria provided, single submitter. Criteria: ACMG Guidelines, 2015. Collection method: clinical testing. Allele origin: germline.

Genome-Nilou Lab
Classification: Uncertain significance for Neurofibromatosis, type 1. Last evaluated: 2022-03-15. Review status: criteria provided, single submitter. Criteria: ACMG Guidelines, 2015. Collection method: clinical testing. Allele origin: germline. Affected: no.

Ambry Genetics
Classification: Uncertain significance for Cardiovascular phenotype; Hereditary cancer-predisposing syndrome. Last evaluated: 2021-04-22. Review status: criteria provided, single submitter. Criteria: Ambry Variant Classification Scheme 2023. Collection method: clinical testing. Allele origin: germline.

Ambry Genetics
Classification: Uncertain significance for Hereditary cancer-predisposing syndrome. Last evaluated: 2015-06-26. Review status: criteria provided, single submitter. Criteria: Ambry Autosomal Dominant and X-Linked criteria (10/2015). Collection method: clinical testing. Allele origin: germline. Observed: 1 variant allele.
Comment: <span style="background-color:initial">The p.R659W<span style="background-color:initial"> variant (also known as c.1975C>T), located in coding exon 17 of the NF1<span style="background-color:initial"> gene, results from a C to T substitution at nucleotide position 1975. The arginine at codon 659 is replaced by tryptophan, an amino acid with dissimilar properties. This variant was not reported in population based cohorts in the following databases: Database of Single Nucleotide Polymorphisms (dbSNP), NHLBI Exome Sequencing Project (ESP), and 1000 Genomes Project. In the ESP, this variant was not observed in 6503 samples (13006 alleles) with coverage at this position. To date, this alteration has been detected with an allele frequency of approximately 0.003% (greater than 110000 alleles tested) in our clinical cohort. This amino acid position is highly conserved in available vertebrate species.<span style="background-color:initial">In addition, the in silico prediction for this alteration is inconclusive.<span style="background-color:initial">Since supporting evidence is limited at this time, the clinical significance of p.R659W remains unclear.

NM_001042492.3(NF1):c.1975C>T (p.Arg659Trp)

Gene: NF1 (neurofibromin 1; plus strand). Cytogenetic location: 17q11.2.
Variant type: single nucleotide variant.
Coding change: c.1975C>T on transcript NM_001042492.3 (MANE Select); coding-DNA position 1975, C replaced by T.
Protein change: p.Arg659Trp; replaces arginine 659 with tryptophan.
Molecular consequence: missense variant.
Genome position (GRCh38, 1-based): chr17:31,225,224, C>T. VCF-style: chr17-31225224-C-T. GRCh37 (hg19) VCF-style: chr17-29552242-C-T.
Other names: c.1975C>T, p.Arg659Trp (NM_000267.4); short protein forms R659W.
Identifiers: ClinVar variation 184227 (VCV000184227.42), dbSNP rs757512142, ClinGen allele CA188275.